The following is an entry in ClinVar:

ClinVar aggregate classification (germline): Uncertain significance (1 of 4 stars; one submission).

Submission:

Labcorp Genetics (formerly Invitae), Labcorp
Classification: Uncertain significance. Last evaluated: 2023-06-03. Review status: criteria provided, single submitter. Criteria: Invitae Variant Classification Sherloc (09022015). Collection method: clinical testing. Allele origin: germline.
Comment: This sequence change creates a premature translational stop signal (p.Phe4Leufs*57) in the DGKZ gene. It is expected to result in an absent or disrupted protein product. However, the current clinical and genetic evidence is not sufficient to establish whether loss-of-function variants in DGKZ cause disease. This variant is not present in population databases (gnomAD no frequency). This variant has not been reported in the literature in individuals affected with DGKZ-related conditions. In summary, the available evidence is currently insufficient to determine the role of this variant in disease. Therefore, it has been classified as a Variant of Uncertain Significance.

NM_001199267.2(DGKZ):c.162-1023_162-1020del

Gene: DGKZ (diacylglycerol kinase zeta; plus strand). Cytogenetic location: 11p11.2.
Variant type: Microsatellite.
Coding change: c.162-1023_162-1020del on transcript NM_001199267.2 (MANE Select); 1023 bases into the intron before coding-DNA position 162 through 1020 bases into the intron before coding-DNA position 162, 4 bases deleted (CTTT; older notation c.162-1023_162-1020delCTTT).
Molecular consequence: intron variant. On other transcripts: frameshift variant (1).
Genome position (GRCh38, 1-based): chr11:46,366,268-46,366,271, CTTT deleted; deleting any 4 consecutive bases within chr11:46,366,264-46,366,271 gives the same sequence; the c. name uses the placement nearest the transcript's 3' end. VCF-style (leftmost placement, unchanged base first): chr11-46366263-ACTTT-A. GRCh37 (hg19) VCF-style: chr11-46387813-ACTTT-A.
Other names: c.12_15del, p.Phe4fs (NM_001105540.2); c.213-1023_213-1020del (NM_201532.3); c.177-1023_177-1020del (NM_201533.3); c.162-1023_162-1020del (NM_001199266.2, NM_003646.4, NM_001199268.2); short protein forms F4fs.
Identifiers: ClinVar variation 2974841 (VCV002974841.3), dbSNP rs1167230952, ClinGen allele CA599371955.